The following is an entry in ClinVar:

ClinVar aggregate classification (germline): Uncertain significance. Review status: criteria provided, multiple submitters, no conflicts (2 of 4 stars). 2 submissions from 2 submitters: Uncertain significance (2). Last evaluated 2025-03-27.

Conditions:
DICER1-related tumor predisposition. Also called: DICER1 syndrome; DICER1-related pleuropulmonary blastoma cancer predisposition syndrome. Identifiers: Orphanet 284343, MedGen C3839822, MONDO:0100216.
Hereditary cancer-predisposing syndrome. Also called: Hereditary neoplastic syndrome; Neoplastic Syndromes, Hereditary; Tumor predisposition; Hereditary Cancer Syndrome. Identifiers: Orphanet 140162, MedGen C0027672, MeSH D009386, MONDO:0015356.

Allele frequency attached by ClinVar (database versions not stated): TOPMed 0.00001.

Submissions (2):

Ambry Genetics
Classification: Uncertain significance for Hereditary cancer-predisposing syndrome. Last evaluated: 2025-03-27. Review status: criteria provided, single submitter. Criteria: Ambry Variant Classification Scheme 2023. Collection method: clinical testing. Allele origin: germline.
Comment: The p.Y246F variant (also known as c.737A>T), located in coding exon 6 of the DICER1 gene, results from an A to T substitution at nucleotide position 737. The tyrosine at codon 246 is replaced by phenylalanine, an amino acid with highly similar properties. This amino acid position is well conserved in available vertebrate species. In addition, this alteration is predicted to be tolerated by in silico analysis. Based on the available evidence, the clinical significance of this variant remains unclear.

Labcorp Genetics (formerly Invitae), Labcorp
Classification: Uncertain significance for DICER1-related tumor predisposition. Last evaluated: 2024-08-01. Review status: criteria provided, single submitter. Criteria: Invitae Variant Classification Sherloc (09022015). Collection method: clinical testing. Allele origin: germline.
Comment: This sequence change replaces tyrosine, which is neutral and polar, with phenylalanine, which is neutral and non-polar, at codon 246 of the DICER1 protein (p.Tyr246Phe). This variant is present in population databases (rs775370673, gnomAD 0.0009%). This variant has not been reported in the literature in individuals affected with DICER1-related conditions. ClinVar contains an entry for this variant (Variation ID: 1003259). An algorithm developed to predict the effect of missense changes on protein structure and function (PolyPhen-2) suggests that this variant is likely to be tolerated. In summary, the available evidence is currently insufficient to determine the role of this variant in disease. Therefore, it has been classified as a Variant of Uncertain Significance.

NM_177438.3(DICER1):c.737A>T (p.Tyr246Phe)

Gene: DICER1 (dicer 1, ribonuclease III; minus strand). Cytogenetic location: 14q32.13.
Variant type: single nucleotide variant.
Coding change: c.737A>T on transcript NM_177438.3 (MANE Select); coding-DNA position 737, A replaced by T.
Protein change: p.Tyr246Phe; replaces tyrosine 246 with phenylalanine.
Molecular consequence: missense variant.
Genome position (GRCh38, 1-based): chr14:95,126,746, T>A on the plus strand (A>T on the coding strand, the complement: DICER1 is on the minus strand). VCF-style: chr14-95126746-T-A. GRCh37 (hg19) VCF-style: chr14-95593083-T-A.
Other names: c.737A>T, p.Tyr246Phe (NM_001195573.1, NM_001271282.3, NM_001291628.2 and 1 more transcripts); short protein forms Y246F.
Identifiers: ClinVar variation 1003259 (VCV001003259.13), dbSNP rs775370673, ClinGen allele CA7331574.